The following is an entry in ClinVar:

ClinVar aggregate classification (germline): Uncertain significance. Review status: criteria provided, multiple submitters, no conflicts (2 of 4 stars). 2 submissions from 2 submitters: Uncertain significance (2). Last evaluated 2023-12-08.

Conditions:
Inborn genetic diseases. Identifiers: MedGen C0950123, MeSH D030342.

Allele frequency attached by ClinVar (database versions not stated): gnomAD 0.00001; TOPMed 0.00002; gnomAD exomes 0.00003 and 0.00004; ExAC 0.00004.
gnomAD v4.1: 44 of 1,614,022 alleles (0.0027%); highest among the groups gnomAD compares: Middle Eastern, 0.016%; 1 homozygote.

Submissions (2):

Ambry Genetics
Classification: Uncertain significance for Inborn genetic diseases. Last evaluated: 2023-12-08. Review status: criteria provided, single submitter. Criteria: Ambry Variant Classification Scheme 2023. Collection method: clinical testing. Allele origin: germline.

CeGaT Center for Human Genetics Tuebingen
Classification: Uncertain significance. Last evaluated: 2022-07-01. Review status: criteria provided, single submitter. Criteria: CeGaT Center For Human Genetics Tuebingen Variant Classification Criteria Version 2. Collection method: clinical testing. Allele origin: germline. Affected: yes. Observed: 1 variant allele.
Comment: NR1H4: PM2

NM_001206979.2(NR1H4):c.1343A>G (p.Asn448Ser)

Gene: NR1H4 (nuclear receptor subfamily 1 group H member 4; plus strand). Cytogenetic location: 12q23.1.
Variant type: single nucleotide variant.
Coding change: c.1343A>G on transcript NM_001206979.2 (MANE Select); coding-DNA position 1343, A replaced by G.
Protein change: p.Asn448Ser; replaces asparagine 448 with serine.
Molecular consequence: missense variant. On other transcripts: non-coding transcript variant (1).
Genome position (GRCh38, 1-based): chr12:100,563,401, A>G. VCF-style: chr12-100563401-A-G. GRCh37 (hg19) VCF-style: chr12-100957179-A-G.
Other names: c.1331A>G (NM_005123.3); c.1343A>G, p.Asn448Ser (NM_001206977.2); c.1190A>G, p.Asn397Ser (NM_001206978.2); c.1361A>G, p.Asn454Ser (NM_001206992.2); c.1373A>G, p.Asn458Ser (NM_001206993.2); c.1331A>G, p.Asn444Ser (NM_005123.4); short protein forms N397S, N444S, N448S, N454S, N458S.
Identifiers: ClinVar variation 1701208 (VCV001701208.32), dbSNP rs760756841, ClinGen allele CA6739461.